The following is an entry in ClinVar:

NM_002907.4(RECQL):c.801_803del (p.Lys267_Ile268delinsAsn)

Gene: RECQL (RecQ like helicase; minus strand). Cytogenetic location: 12p12.1.
Variant type: Deletion.
Coding change: c.801_803del on transcript NM_002907.4 (MANE Select); coding-DNA positions 801 to 803, 3 bases deleted (AAT; older notation c.801_803delAAT).
Protein change: p.Lys267_Ile268delinsAsn.
Molecular consequence: inframe indel.
Genome position (GRCh38, 1-based): chr12:21,477,867-21,477,869, ATT deleted on the plus strand (AAT on the coding strand, the reverse complement: RECQL is on the minus strand). VCF-style (leftmost placement, unchanged base first): chr12-21477866-AATT-A. GRCh37 (hg19) VCF-style: chr12-21630800-AATT-A.
Other names: c.801_803del, p.Lys267_Ile268delinsAsn (NM_032941.3).
Identifiers: ClinVar variation 1761645 (VCV001761645.3), dbSNP rs1210382648, ClinGen allele CA603967593.

ClinVar aggregate classification (germline): Uncertain significance (1 of 4 stars; one submission).

Submission:

Ambry Genetics
Classification: Uncertain significance. Last evaluated: 2024-07-01. Review status: criteria provided, single submitter. Criteria: Ambry Variant Classification Scheme 2023. Collection method: clinical testing. Allele origin: germline.
Comment: The c.801_803delAAT variant (also known as p.K267_I268delinsN) is located in coding exon 6 of the RECQL gene. This variant results from an in-frame AAT deletion at nucleotide positions 801 to 803. The lysine and isoleucine at codons 267 and 268 are replaced by a single asparagine. This amino acid region is well conserved in available vertebrate species. In addition, this alteration is predicted to be deleterious by in silico analysis (Choi Y et al. PLoS ONE. 2012; 7(10):e46688). The evidence for this gene-disease relationship is limited; therefore, the clinical significance of this alteration is unclear.